The following is an entry in ClinVar:

ClinVar aggregate classification (germline): Likely pathogenic (1 of 4 stars; one submission).

Conditions:
Hereditary cancer-predisposing syndrome. Also called: Neoplastic Syndromes, Hereditary; Tumor predisposition; Hereditary Cancer Syndrome; Hereditary neoplastic syndrome. Identifiers: Orphanet 140162, MedGen C0027672, MeSH D009386, MONDO:0015356.

Submission:

Ambry Genetics
Classification: Likely pathogenic for Hereditary cancer-predisposing syndrome. Last evaluated: 2021-08-11. Review status: criteria provided, single submitter. Criteria: Ambry Variant Classification Scheme 2023. Collection method: clinical testing. Allele origin: germline.
Comment: The c.172-1_176delGAGTCA variant results from a deletion of 6 nucleotides between positions c.172-1 and c.176 and involves the canonical splice acceptor site before coding exon 3 of the NBN gene. This variant is considered to be rare based on population cohorts in the Genome Aggregation Database (gnomAD). The canonical splice acceptor site region is well conserved in available vertebrate species. In silico splice site analysis predicts that this alteration will result in the creation or strengthening of a novel splice acceptor site;however, the exact impact of this deletion on NBN splicing and function is currently unknown. Alterations that disrupt the canonical splice site are expected to cause aberrant splicing, resulting in an abnormal protein or a transcript that is subject to nonsense-mediated mRNA decay. As such, this alteration is classified as likely pathogenic.

NM_002485.5(NBN):c.172-1_176del

Gene: NBN (nibrin; minus strand). Cytogenetic location: 8q21.3.
Variant type: Deletion.
Coding change: c.172-1_176del on transcript NM_002485.5 (MANE Select); the canonical splice acceptor site of the intron before coding-DNA position 172 through coding-DNA position 176, 6 bases deleted (GAGTCA; older notation c.172-1_176delGAGTCA).
Molecular consequence: splice acceptor variant.
Genome position (GRCh38, 1-based): chr8:89,981,519-89,981,524, TGACTC deleted on the plus strand (GAGTCA on the coding strand, the reverse complement: NBN is on the minus strand); deleting any 6 consecutive bases within chr8:89,981,519-89,981,527 gives the same sequence; the c. name uses the placement nearest the transcript's 3' end. VCF-style (leftmost placement, unchanged base first): chr8-89981518-TTGACTC-T. GRCh37 (hg19) VCF-style: chr8-90993746-TTGACTC-T.
Other names: c.-75-1_-71del (NM_001024688.3).
Identifiers: ClinVar variation 1778765 (VCV001778765.2), dbSNP rs2488361727, ClinGen allele CA2580079234.